The following is an entry in ClinVar:

ClinVar aggregate classification (germline): Likely benign (1 of 4 stars; one submission).

Submission:

Laboratory for Molecular Medicine, Mass General Brigham Personalized Medicine
Classification: Likely benign. Last evaluated: 2013-05-31. Review status: criteria provided, single submitter. Criteria: LMM Criteria. Collection method: clinical testing. Allele origin: germline. Observed: 1 variant allele.
Comment: Leu143Leu variant in exon 01 of DFNB31: This variant is not expected to have cli nical significance because it does not alter an amino acid residue and is not lo cated within the conserved splice consensus sequence

NM_015404.4(WHRN):c.427T>C (p.Leu143=)

Gene: WHRN (whirlin; minus strand). Cytogenetic location: 9q32.
Variant type: single nucleotide variant.
Coding change: c.427T>C on transcript NM_015404.4 (MANE Select); coding-DNA position 427, T replaced by C.
Protein change: p.Leu143=; no amino-acid change (leucine 143 retained).
Molecular consequence: synonymous variant.
Genome position (GRCh38, 1-based): chr9:114,504,375, A>G on the plus strand (T>C on the coding strand, the complement: WHRN is on the minus strand). VCF-style: chr9-114504375-A-G. GRCh37 (hg19) VCF-style: chr9-117266655-A-G.
Other names: c.427T>C, p.Leu143= (NM_001173425.2).
Identifiers: ClinVar variation 163056 (VCV000163056.5), dbSNP rs727502956, ClinGen allele CA175645.